The following is an entry in ClinVar:

NM_014714.4(IFT140):c.2090T>C (p.Phe697Ser)

Gene: IFT140 (intraflagellar transport 140; minus strand). Cytogenetic location: 16p13.3.
Variant type: single nucleotide variant.
Coding change: c.2090T>C on transcript NM_014714.4 (MANE Select); coding-DNA position 2090, T replaced by C.
Protein change: p.Phe697Ser; replaces phenylalanine 697 with serine.
Molecular consequence: missense variant.
Genome position (GRCh38, 1-based): chr16:1,562,094, A>G on the plus strand (T>C on the coding strand, the complement: IFT140 is on the minus strand). VCF-style: chr16-1562094-A-G. GRCh37 (hg19) VCF-style: chr16-1612095-A-G.
Other names: short protein forms F697S.
Identifiers: ClinVar variation 1284857 (VCV001284857.13), dbSNP rs1343501211, ClinGen allele CA394203858.

ClinVar aggregate classification (germline): Uncertain significance. Review status: criteria provided, multiple submitters, no conflicts (2 of 4 stars). 5 submissions from 5 submitters: Uncertain significance (2). 3 of the submissions do not count toward it. Last evaluated 2026-01-21.

Conditions:
Saldino-Mainzer syndrome (SRTD9). Also called: Renal dysplasia, retinal pigmentary dystrophy, cerebellar ataxia and skeletal dysplasia; SHORT-RIB THORACIC DYSPLASIA 9 WITHOUT POLYDACTYLY; short-rib thoracic dysplasia 9 with or without polydactyly; CONORENAL SYNDROME. Identifiers: Orphanet 140969, MedGen C1849437, MONDO:0009964, OMIM 266920.
Retinal dystrophy. Also called: Inherited retinal dystrophy. Identifiers: Orphanet 71862, MedGen C0854723, MeSH D058499, MONDO:0019118, HP:0000556.

gnomAD v4.1: 7 of 1,610,290 alleles (0.00043%); highest among the groups gnomAD compares: Non-Finnish European, 0.00025%; no homozygotes.

Submissions (5):

Labcorp Genetics (formerly Invitae), Labcorp
Classification: Uncertain significance for Saldino-Mainzer syndrome. Last evaluated: 2026-01-21. Review status: criteria provided, single submitter. Criteria: Invitae Variant Classification Sherloc (09022015). Collection method: clinical testing. Allele origin: germline.
Comment: This sequence change replaces phenylalanine, which is neutral and non-polar, with serine, which is neutral and polar, at codon 697 of the IFT140 protein (p.Phe697Ser). This variant is not present in population databases (gnomAD no frequency). This missense change has been observed in individual(s) with retinitis pigmentosa (internal data). ClinVar contains an entry for this variant (Variation ID: 1284857). Invitae Evidence Modeling of protein sequence and biophysical properties (such as structural, functional, and spatial information, amino acid conservation, physicochemical variation, residue mobility, and thermodynamic stability) has been performed for this missense variant. However, the output from this modeling did not meet the statistical confidence thresholds required to predict the impact of this variant on IFT140 protein function. In summary, the available evidence is currently insufficient to determine the role of this variant in disease. Therefore, it has been classified as a Variant of Uncertain Significance.

Blueprint Genetics
Classification: Uncertain significance. Last evaluated: 2024-01-18. Review status: criteria provided, single submitter. Criteria: ACMG Guidelines, 2015. Collection method: clinical testing. Allele origin: germline.

Institute of Human Genetics, Univ. Regensburg, Univ. Regensburg
Classification: Uncertain significance for Retinal dystrophy. Last evaluated: 2022-01-01. Review status: no assertion criteria provided. Criteria: ACMG Guidelines, 2015. Collection method: clinical testing. Allele origin: germline. Affected: yes. Not counted in ClinVar's aggregate classification.

Clinical Genetics, Academic Medical Center
Classification: Uncertain significance. Review status: no assertion criteria provided. Collection method: clinical testing. Allele origin: germline. Affected: yes. Study: VKGL Data-share Consensus. Not counted in ClinVar's aggregate classification.

Joint Genome Diagnostic Labs from Nijmegen and Maastricht, Radboudumc and MUMC+
Classification: Uncertain significance. Review status: no assertion criteria provided. Collection method: clinical testing. Allele origin: germline. Affected: yes. Study: VKGL Data-share Consensus. Not counted in ClinVar's aggregate classification.